The following is an entry in ClinVar:

NM_003104.6(SORD):c.299G>A (p.Arg100Gln)

Gene: SORD (sorbitol dehydrogenase; plus strand). Cytogenetic location: 15q21.1.
Variant type: single nucleotide variant.
Coding change: c.299G>A on transcript NM_003104.6 (MANE Select); coding-DNA position 299, G replaced by A.
Protein change: p.Arg100Gln; replaces arginine 100 with glutamine.
Molecular consequence: missense variant. On other transcripts: non-coding transcript variant (1).
Genome position (GRCh38, 1-based): chr15:45,061,100, G>A. VCF-style: chr15-45061100-G-A. GRCh37 (hg19) VCF-style: chr15-45353298-G-A.
Other names: short protein forms R100Q.
Identifiers: ClinVar variation 4537216 (VCV004537216.1).

ClinVar aggregate classification (germline): Uncertain significance (1 of 4 stars; one submission).

gnomAD v4.1: 29 of 1,614,078 alleles (0.0018%); highest among the groups gnomAD compares: South Asian, 0.0044%; no homozygotes.

Submission:

Women's Health and Genetics/Laboratory Corporation of America, LabCorp
Classification: Uncertain significance. Last evaluated: 2025-11-25. Review status: criteria provided, single submitter. Criteria: LabCorp Variant Classification Summary - May 2015. Collection method: clinical testing. Allele origin: germline.
Comment: Variant summary: SORD c.299G>A (p.Arg100Gln) results in a conservative amino acid change in the encoded protein sequence. Algorithms developed to predict the effect of missense changes on protein structure and function are either unavailable or do not agree on the potential impact of this missense change. The variant allele was found at a frequency of 1.2e-05 in 251476 control chromosomes. The available data on variant occurrences in the general population are insufficient to allow any conclusion about variant significance. To our knowledge, no occurrence of c.299G>A in individuals affected with SORD-related conditions and no experimental evidence demonstrating its impact on protein function have been reported. No submitters have cited clinical-significance assessments for this variant to ClinVar. Based on the evidence outlined above, the variant was classified as uncertain significance.